The following is an entry in ClinVar:

ClinVar aggregate classification (germline): Uncertain significance (1 of 4 stars; one submission).

Conditions:
MYH-6 related congenital heart defects. Identifiers: MedGen CN372094, MONDO:0800442.

Submission:

Victorian Clinical Genetics Services, Murdoch Childrens Research Institute
Classification: Uncertain significance for MYH-6 related congenital heart defects. Last evaluated: 2025-09-29. Review status: criteria provided, single submitter. Criteria: ACMG Guidelines, 2015. Collection method: clinical testing. Allele origin: germline. Affected: yes.
Comment: This variant is classified as VUS-3A. Evidence in support of pathogenic classification: Variant is absent from gnomAD (v2, v3 and v4); Missense variant predicted to be damaging by in silico tool(s) or highly conserved with a major amino acid change; Additional information: Variant is predicted to result in a missense amino acid change from Asp to Gly; This variant is heterozygous; This gene is associated with autosomal dominant disease; Alternative amino acid change(s) at the same position are present in gnomAD (Highest allele count: v4: 5 heterozygote(s), 0 homozygote(s)); This variant has no previous evidence of pathogenicity; No published evidence of segregation with disease has been identified for this variant; No published functional evidence has been identified for this variant; Another missense variant comparable to the one identified in this case has inconclusive previous evidence for pathogenicity. The p.(Asp988Glu) variant has been classified as a VUS by a clinical laboratory in ClinVar; Variant is located in the annotated myosin tail domain (DECIPHER); The mechanism of disease for this gene is not clearly established, however gain of function has been suggested (PMID: 20656787); The condition associated with this gene has incomplete penetrance (PMID: 22194935); Variants in this gene are known to have variable expressivity (PMID: 22194935).

Literature cited by the submitters: PubMed 20656787; PubMed 22194935.

NM_002471.4(MYH6):c.2963A>G (p.Asp988Gly)

Gene: MYH6 (myosin heavy chain 6; minus strand). Cytogenetic location: 14q11.2.
Variant type: single nucleotide variant.
Coding change: c.2963A>G on transcript NM_002471.4 (MANE Select); coding-DNA position 2963, A replaced by G.
Protein change: p.Asp988Gly; replaces aspartic acid 988 with glycine.
Molecular consequence: missense variant.
Genome position (GRCh38, 1-based): chr14:23,393,484, T>C on the plus strand (A>G on the coding strand, the complement: MYH6 is on the minus strand). VCF-style: chr14-23393484-T-C. GRCh37 (hg19) VCF-style: chr14-23862693-T-C.
Other names: short protein forms D988G.
Identifiers: ClinVar variation 4531476 (VCV004531476.1).